The following is an entry in ClinVar:

ClinVar aggregate classification (germline): Pathogenic (1 of 4 stars; one submission).

Conditions:
Hereditary cancer-predisposing syndrome. Also called: Neoplastic Syndromes, Hereditary; Tumor predisposition; Hereditary Cancer Syndrome; Hereditary neoplastic syndrome. Identifiers: Orphanet 140162, MedGen C0027672, MeSH D009386, MONDO:0015356.

Submission:

Ambry Genetics
Classification: Pathogenic for Hereditary cancer-predisposing syndrome. Last evaluated: 2020-04-27. Review status: criteria provided, single submitter. Criteria: Ambry Variant Classification Scheme 2023. Collection method: clinical testing. Allele origin: germline.
Comment: The c.1979_1980delAAinsG pathogenic mutation, located in coding exon 4 of the MSH6 gene, results from the deletion of two nucleotides and insertion of one nucleotide at positions 1979 to 1980, causing a translational frameshift with a predicted alternate stop codon (p.K660Rfs*3). This alteration is expected to result in loss of function by premature protein truncation or nonsense-mediated mRNA decay. As such, this alteration is interpreted as a disease-causing mutation.

NM_000179.3(MSH6):c.1979_1980delinsG (p.Lys660fs)

Gene: MSH6 (mutS homolog 6; plus strand). Cytogenetic location: 2p16.3.
Variant type: Indel.
Coding change: c.1979_1980delinsG on transcript NM_000179.3 (MANE Select); coding-DNA positions 1979 to 1980, AA replaced by G.
Protein change: p.Lys660fs; shifts the reading frame from lysine 660.
Molecular consequence: frameshift variant.
Genome position (GRCh38, 1-based): chr2:47,799,962-47,799,963, AA replaced by G. VCF-style: chr2-47799962-AA-G. GRCh37 (hg19) VCF-style: chr2-48027101-AA-G.
Other names: c.1073_1074delAAinsG, p.Lys358Argfs (NM_001406812.1, NM_001406814.1, NM_001406815.1 and 4 more transcripts); c.1985_1986delAAinsG, p.Lys662Argfs (NM_001406813.1); c.1682_1683delAAinsG, p.Lys561Argfs (NM_001406818.1, NM_001406819.1, NM_001406820.1 and 10 more transcripts); c.1811_1812delAAinsG, p.Lys604Argfs (NM_001406826.1); c.1589_1590delinsG, p.Lys530fs (NM_001281492.2); c.1073_1074delinsG, p.Lys358fs (NM_001281493.2, NM_001281494.2); c.2075_2076delAAinsG, p.Lys692Argfs (NM_001406795.1, NM_001406802.1); c.1979_1980delAAinsG, p.Lys660Argfs (NM_001406796.1, NM_001406798.1, NM_001406800.1 and 3 more transcripts); and 2 more; short protein forms K358fs, K530fs, K660fs.
Identifiers: ClinVar variation 1783754 (VCV001783754.2), dbSNP rs2530642702, ClinGen allele CA2580067741.